The following is an entry in ClinVar:

NM_052947.4(ALPK2):c.5525C>G (p.Ser1842Cys)

Gene: ALPK2 (alpha kinase 2; minus strand). Cytogenetic location: 18q21.31.
Variant type: single nucleotide variant.
Coding change: c.5525C>G on transcript NM_052947.4 (MANE Select); coding-DNA position 5525, C replaced by G.
Protein change: p.Ser1842Cys; replaces serine 1842 with cysteine.
Molecular consequence: missense variant.
Genome position (GRCh38, 1-based): chr18:58,524,039, G>C on the plus strand (C>G on the coding strand, the complement: ALPK2 is on the minus strand). VCF-style: chr18-58524039-G-C. GRCh37 (hg19) VCF-style: chr18-56191271-G-C.
Other names: short protein forms S1842C.
Identifiers: ClinVar variation 1748090 (VCV001748090.3), dbSNP rs1320566668, ClinGen allele CA402551789.

ClinVar aggregate classification (germline): Uncertain significance (1 of 4 stars; one submission).

Allele frequency attached by ClinVar (database versions not stated): gnomAD 0.00001; TOPMed 0.00001; gnomAD exomes 0.00004.
gnomAD v4.1: 67 of 1,613,728 alleles (0.0042%); highest among the groups gnomAD compares: Non-Finnish European, 0.0054%; no homozygotes.

Submission:

Ambry Genetics
Classification: Uncertain significance. Last evaluated: 2024-10-14. Review status: criteria provided, single submitter. Criteria: Ambry Variant Classification Scheme 2023. Collection method: clinical testing. Allele origin: germline.
Comment: The p.S1842C variant (also known as c.5525C>G), located in coding exon 6 of the ALPK2 gene, results from a C to G substitution at nucleotide position 5525. The serine at codon 1842 is replaced by cysteine, an amino acid with dissimilar properties. This amino acid position is conserved. In addition, the in silico prediction for this alteration is inconclusive. Since supporting evidence is limited at this time, the clinical significance of this alteration remains unclear.